The following is an entry in ClinVar:

NM_053013.4(ENO3):c.828C>T (p.Leu276=)

Gene: ENO3 (enolase 3; plus strand). Cytogenetic location: 17p13.2.
Variant type: single nucleotide variant.
Coding change: c.828C>T on transcript NM_053013.4 (MANE Select); coding-DNA position 828, C replaced by T.
Protein change: p.Leu276=; no amino-acid change (leucine 276 retained).
Molecular consequence: synonymous variant.
Genome position (GRCh38, 1-based): chr17:4,955,567, C>T. VCF-style: chr17-4955567-C-T. GRCh37 (hg19) VCF-style: chr17-4858862-C-T.
Other names: c.699C>T, p.Leu233= (NM_001193503.2); c.828C>T, p.Leu276= (NM_001976.5).
Identifiers: ClinVar variation 471071 (VCV000471071.15), dbSNP rs35119507, ClinGen allele CA8316445.

ClinVar aggregate classification (germline): Benign/Likely benign. Review status: criteria provided, multiple submitters, no conflicts (2 of 4 stars). 5 submissions from 5 submitters: Benign (1); Likely benign (3). 1 of the submissions does not count toward it. Last evaluated 2026-02-02.

Conditions:
ENO3-related disorder. Also called: ENO3-related condition.
Glycogen storage disease due to muscle beta-enolase deficiency (GSD13). Also called: Glycogen Storage Disease Type XIII; ENOLASE 3 DEFICIENCY; ENOLASE-BETA DEFICIENCY; GSD XIII. Identifiers: Orphanet 99849, MedGen C2752027, MONDO:0013046, OMIM 612932.

Allele frequency attached by ClinVar (database versions not stated): gnomAD 0.00177 and 0.00190; ESP Exome Variant Server 0.00185; TOPMed 0.00195; 1000 Genomes Project 30x 0.00390; 1000 Genomes Project 0.00399.

Submissions (5):

Labcorp Genetics (formerly Invitae), Labcorp
Classification: Benign for Glycogen storage disease due to muscle beta-enolase deficiency. Last evaluated: 2026-02-02. Review status: criteria provided, single submitter. Criteria: Invitae Variant Classification Sherloc (09022015). Collection method: clinical testing. Allele origin: germline.

Blueprint Genetics
Classification: Likely benign. Last evaluated: 2024-10-22. Review status: criteria provided, single submitter. Criteria: ACMG Guidelines, 2015. Collection method: clinical testing. Allele origin: germline.

GeneDx
Classification: Likely benign. Last evaluated: 2018-05-08. Review status: criteria provided, single submitter. Criteria: GeneDx Variant Classification (06012015). Collection method: clinical testing. Allele origin: germline. Affected: yes.
Comment: This variant is considered likely benign or benign based on one or more of the following criteria: it is a conservative change, it occurs at a poorly conserved position in the protein, it is predicted to be benign by multiple in silico algorithms, and/or has population frequency not consistent with disease.

Breakthrough Genomics
Classification: Likely benign. Review status: criteria provided, single submitter. Criteria: ACMG Guidelines, 2015. Collection method: not provided. Allele origin: germline. Inheritance: Autosomal recessive inheritance. Affected: yes.

PreventionGenetics, part of Exact Sciences
Classification: Likely benign for ENO3-related condition. Last evaluated: 2019-08-10. Review status: no assertion criteria provided. Collection method: clinical testing. Allele origin: germline. Not counted in ClinVar's aggregate classification.
Comment: This variant is classified as likely benign based on ACMG/AMP sequence variant interpretation guidelines (Richards et al. 2015 PMID: 25741868, with internal and published modifications).